The following is an entry in ClinVar:

NM_000197.2(HSD17B3):c.377G>T (p.Gly126Val)

Genes: HSD17B3 (hydroxysteroid 17-beta dehydrogenase 3; minus strand), SLC35D2-HSD17B3 (SLC35D2-HSD17B3 readthrough; minus strand). Cytogenetic location: 9q22.32.
Variant type: single nucleotide variant.
Coding change: c.377G>T on transcript NM_000197.2 (MANE Select); coding-DNA position 377, G replaced by T.
Protein change: p.Gly126Val; replaces glycine 126 with valine.
Molecular consequence: missense variant. On other transcripts: non-coding transcript variant (1).
Genome position (GRCh38, 1-based): chr9:96,252,811, C>A on the plus strand (G>T on the coding strand, the complement: HSD17B3 is on the minus strand). VCF-style: chr9-96252811-C-A. GRCh37 (hg19) VCF-style: chr9-99015093-C-A.
Other names: short protein forms G126V.
Identifiers: ClinVar variation 3644207 (VCV003644207.2).

ClinVar aggregate classification (germline): Uncertain significance (1 of 4 stars; one submission).

Submission:

Labcorp Genetics (formerly Invitae), Labcorp
Classification: Uncertain significance. Last evaluated: 2025-03-04. Review status: criteria provided, single submitter. Criteria: Invitae Variant Classification Sherloc (09022015). Collection method: clinical testing. Allele origin: germline.
Comment: This sequence change replaces glycine, which is neutral and non-polar, with valine, which is neutral and non-polar, at codon 126 of the HSD17B3 protein (p.Gly126Val). This variant is not present in population databases (gnomAD no frequency). This variant has not been reported in the literature in individuals affected with HSD17B3-related conditions. Invitae Evidence Modeling of protein sequence and biophysical properties (such as structural, functional, and spatial information, amino acid conservation, physicochemical variation, residue mobility, and thermodynamic stability) indicates that this missense variant is expected to disrupt HSD17B3 protein function with a positive predictive value of 80%. In summary, the available evidence is currently insufficient to determine the role of this variant in disease. Therefore, it has been classified as a Variant of Uncertain Significance.